The following is an entry in ClinVar:

NM_001267550.2(TTN):c.84347T>C (p.Ile28116Thr)

Genes: TTN-AS1 (TTN antisense RNA 1; plus strand), TTN (titin; minus strand). Cytogenetic location: 2q31.2.
Variant type: single nucleotide variant.
Coding change: c.84347T>C on transcript NM_001267550.2 (MANE Select); coding-DNA position 84347, T replaced by C.
Protein change: p.Ile28116Thr; replaces isoleucine 28116 with threonine.
Molecular consequence: missense variant.
Genome position (GRCh38, 1-based): chr2:178,561,785, A>G on the plus strand (T>C on the coding strand, the complement: TTN is on the minus strand). VCF-style: chr2-178561785-A-G. GRCh37 (hg19) VCF-style: chr2-179426512-A-G.
Other names: c.57527T>C, p.Ile19176Thr (NM_133432.3); c.57728T>C, p.Ile19243Thr (NM_133437.4); c.79424T>C, p.Ile26475Thr (NM_001256850.1); c.57152T>C, p.Ile19051Thr (NM_003319.4); c.76643T>C, p.Ile25548Thr (NM_133378.4); short protein forms I19051T, I19176T, I19243T, I25548T, I26475T, I28116T.
Identifiers: ClinVar variation 1310898 (VCV001310898.3), dbSNP rs1468127080, ClinGen allele CA349560528.

ClinVar aggregate classification (germline): Uncertain significance. Review status: criteria provided, multiple submitters, no conflicts (2 of 4 stars). 2 submissions from 2 submitters: Uncertain significance (2). Last evaluated 2021-08-12.

Conditions:
Autosomal recessive limb-girdle muscular dystrophy type 2J (LGMDR10). Also called: Limb-girdle muscular dystrophy, type 2J; MUSCULAR DYSTROPHY, LIMB-GIRDLE, AUTOSOMAL RECESSIVE 10. Identifiers: Orphanet 140922, MedGen C1837342, MONDO:0012127, OMIM 608807.
Hypertrophic cardiomyopathy 9. Also called: Familial hypertrophic cardiomyopathy 9. Identifiers: MedGen C1861065, MONDO:0013412, OMIM 613765.
Early-onset myopathy with fatal cardiomyopathy (CMYO5). Also called: CONGENITAL MYOPATHY 5 WITH CARDIOMYOPATHY; Salih Myopathy. Identifiers: Orphanet 289377, MedGen C2673677, MONDO:0012714, OMIM 611705. Disease mechanism: loss of function.
Dilated cardiomyopathy 1G (CMD1G). Identifiers: Orphanet 154, MedGen C1858763, MONDO:0011400, OMIM 604145.
Myopathy, myofibrillar, 9, with early respiratory failure (MFM9). Also called: Hereditary myopathy with early respiratory failure; EDSTROM MYOPATHY; MYOPATHY, PROXIMAL, WITH EARLY RESPIRATORY MUSCLE INVOLVEMENT; Myopathy, distal, with early respiratory failure, autosomal dominant. Identifiers: Orphanet 178464, Orphanet 34521, MedGen C1863599, MONDO:0011362, OMIM 603689.
Tibial muscular dystrophy (TMD). Also called: Udd Distal Myopathy – Tibial Muscular Dystrophy; UDD MYOPATHY; Tibial muscular dystrophy, tardive. Identifiers: Orphanet 609, MedGen C1838244, MONDO:0010870, OMIM 600334.

Allele frequency attached by ClinVar (database versions not stated): gnomAD exomes below 0.00001 and 0.00001; TOPMed below 0.00001; gnomAD 0.00001.
gnomAD v4.1: 9 of 1,613,532 alleles (0.00056%); highest among the groups gnomAD compares: African/African-American, 0.0013%; no homozygotes.

Submissions (2):

Fulgent Genetics
Classification: Uncertain significance for Tibial muscular dystrophy; Myopathy, myofibrillar, 9, with early respiratory failure; Dilated cardiomyopathy 1G; Autosomal recessive limb-girdle muscular dystrophy type 2J; Early-onset myopathy with fatal cardiomyopathy; Hypertrophic cardiomyopathy 9. Last evaluated: 2021-08-12. Review status: criteria provided, single submitter. Criteria: ACMG Guidelines, 2015. Collection method: clinical testing. Allele origin: unknown.

GeneDx
Classification: Uncertain significance. Last evaluated: 2019-12-11. Review status: criteria provided, single submitter. Criteria: GeneDx Variant Classification Process June 2021. Collection method: clinical testing. Allele origin: germline. Affected: yes.
Comment: Not observed at a significant frequency in large population cohorts (Lek et al., 2016); Missense variant in a gene in which most reported pathogenic variants are truncating/loss-of-function; Has not been previously published as pathogenic or benign to our knowledge; Located in the A-band of the titin protein, where the majority of pathogenic truncating variants have been reported.